The following is an entry in ClinVar:

NM_002439.5(MSH3):c.2256T>A (p.Phe752Leu)

Gene: MSH3 (mutS homolog 3; plus strand). Cytogenetic location: 5q14.1.
Variant type: single nucleotide variant.
Coding change: c.2256T>A on transcript NM_002439.5 (MANE Select); coding-DNA position 2256, T replaced by A.
Protein change: p.Phe752Leu; replaces phenylalanine 752 with leucine.
Molecular consequence: missense variant.
Genome position (GRCh38, 1-based): chr5:80,775,696, T>A. VCF-style: chr5-80775696-T-A. GRCh37 (hg19) VCF-style: chr5-80071515-T-A.
Other names: short protein forms F752L.
Identifiers: ClinVar variation 1044376 (VCV001044376.13), dbSNP rs1423667148, ClinGen allele CA360280664.

ClinVar aggregate classification (germline): Uncertain significance. Review status: criteria provided, multiple submitters, no conflicts (2 of 4 stars). 3 submissions from 3 submitters: Uncertain significance (3). Last evaluated 2025-05-27.

Conditions:
Hereditary cancer-predisposing syndrome. Also called: Hereditary Cancer Syndrome; Tumor predisposition; Hereditary neoplastic syndrome; Neoplastic Syndromes, Hereditary. Identifiers: Orphanet 140162, MedGen C0027672, MeSH D009386, MONDO:0015356.
Endometrial carcinoma. Also called: Endometrial carcinoma, somatic. Identifiers: MedGen C0476089, MONDO:0002447, OMIM 608089, HP:0012114.

Allele frequency attached by ClinVar (database versions not stated): gnomAD 0.00001.
gnomAD v4.1: 3 of 1,519,608 alleles (0.0002%); highest among the groups gnomAD compares: Non-Finnish European, 0.00027%; no homozygotes.

Submissions (3):

Labcorp Genetics (formerly Invitae), Labcorp
Classification: Uncertain significance. Last evaluated: 2025-05-27. Review status: criteria provided, single submitter. Criteria: Invitae Variant Classification Sherloc (09022015). Collection method: clinical testing. Allele origin: germline.
Comment: This sequence change replaces phenylalanine, which is neutral and non-polar, with leucine, which is neutral and non-polar, at codon 752 of the MSH3 protein (p.Phe752Leu). The frequency data for this variant in the population databases is considered unreliable, as metrics indicate poor data quality at this position in the gnomAD database. This variant has not been reported in the literature in individuals affected with MSH3-related conditions. ClinVar contains an entry for this variant (Variation ID: 1044376). An algorithm developed to predict the effect of missense changes on protein structure and function (PolyPhen-2) suggests that this variant is likely to be disruptive. In summary, the available evidence is currently insufficient to determine the role of this variant in disease. Therefore, it has been classified as a Variant of Uncertain Significance.

Ambry Genetics
Classification: Uncertain significance for Hereditary cancer-predisposing syndrome. Last evaluated: 2025-04-12. Review status: criteria provided, single submitter. Criteria: Ambry Variant Classification Scheme 2023. Collection method: clinical testing. Allele origin: germline.
Comment: The p.F752L variant (also known as c.2256T>A), located in coding exon 16 of the MSH3 gene, results from a T to A substitution at nucleotide position 2256. The phenylalanine at codon 752 is replaced by leucine, an amino acid with highly similar properties. This amino acid position is highly conserved in available vertebrate species. In addition, this alteration is predicted to be deleterious by in silico analysis. Since supporting evidence is limited at this time, the clinical significance of this alteration remains unclear.

Baylor Genetics
Classification: Uncertain significance for Endometrial carcinoma. Last evaluated: 2023-08-25. Review status: criteria provided, single submitter. Criteria: ACMG Guidelines, 2015. Collection method: clinical testing. Allele origin: unknown.